The following is an entry in ClinVar:

NM_007317.3(KIF22):c.69A>G (p.Ser23=)

Gene: KIF22 (kinesin family member 22; plus strand). Cytogenetic location: 16p11.2.
Variant type: single nucleotide variant.
Coding change: c.69A>G on transcript NM_007317.3 (MANE Select); coding-DNA position 69, A replaced by G.
Protein change: p.Ser23=; no amino-acid change (serine 23 retained).
Molecular consequence: synonymous variant. On other transcripts: 5 prime UTR variant (1).
Genome position (GRCh38, 1-based): chr16:29,790,828, A>G. VCF-style: chr16-29790828-A-G. GRCh37 (hg19) VCF-style: chr16-29802149-A-G.
Other names: c.-185A>G (NM_001256269.2).
Identifiers: ClinVar variation 1315213 (VCV001315213.5), dbSNP rs1369804401, ClinGen allele CA494569778.

ClinVar aggregate classification (germline): Uncertain significance. Review status: criteria provided, multiple submitters, no conflicts (2 of 4 stars). 2 submissions from 2 submitters: Uncertain significance (2). Last evaluated 2023-11-16.

Allele frequency attached by ClinVar (database versions not stated): gnomAD exomes below 0.00001; gnomAD 0.00001; TOPMed 0.00001.
gnomAD v4.1: 7 of 1,600,258 alleles (0.00044%); highest among the groups gnomAD compares: Non-Finnish European, 0.00043%; no homozygotes.

Submissions (2):

Labcorp Genetics (formerly Invitae), Labcorp
Classification: Uncertain significance. Last evaluated: 2023-11-16. Review status: criteria provided, single submitter. Criteria: Invitae Variant Classification Sherloc (09022015). Collection method: clinical testing. Allele origin: germline.
Comment: This sequence change affects codon 23 of the KIF22 mRNA. It is a 'silent' change, meaning that it does not change the encoded amino acid sequence of the KIF22 protein. It affects a nucleotide within the consensus splice site. The frequency data for this variant in the population databases is considered unreliable, as metrics indicate poor data quality at this position in the gnomAD database. This variant has not been reported in the literature in individuals affected with KIF22-related conditions. ClinVar contains an entry for this variant (Variation ID: 1315213). Algorithms developed to predict the effect of sequence changes on RNA splicing suggest that this variant may disrupt the consensus splice site. In summary, the available evidence is currently insufficient to determine the role of this variant in disease. Therefore, it has been classified as a Variant of Uncertain Significance.

GeneDx
Classification: Uncertain significance. Last evaluated: 2020-02-28. Review status: criteria provided, single submitter. Criteria: GeneDx Variant Classification Process June 2021. Collection method: clinical testing. Allele origin: germline. Affected: yes.
Comment: Has not been previously published as pathogenic or benign to our knowledge; In-silico analysis is inconclusive as to whether the variant alters gene splicing. In the absence of RNA/functional studies, the actual effect of this sequence change is unknown